The following is an entry in ClinVar:

NM_020937.4(FANCM):c.4930C>T (p.Arg1644Ter)

Gene: FANCM (FA complementation group M; plus strand). Cytogenetic location: 14q21.2.
Variant type: single nucleotide variant.
Coding change: c.4930C>T on transcript NM_020937.4 (MANE Select); coding-DNA position 4930, C replaced by T.
Protein change: p.Arg1644Ter; replaces arginine 1644 with a stop codon.
Molecular consequence: nonsense.
Genome position (GRCh38, 1-based): chr14:45,188,952, C>T. VCF-style: chr14-45188952-C-T. GRCh37 (hg19) VCF-style: chr14-45658155-C-T.
Other names: c.4852C>T, p.Arg1618Ter (NM_001308133.2); short protein forms R1644*, R1618*.
Identifiers: ClinVar variation 2192867 (VCV002192867.4), dbSNP rs930692973, ClinGen allele CA389611573.

ClinVar aggregate classification (germline): Pathogenic (1 of 4 stars; one submission).

Conditions:
Fanconi anemia (FA). Also called: Fanconi's anemia. Identifiers: Orphanet 84, MedGen C0015625, MeSH D005199, MONDO:0019391.

Allele frequency attached by ClinVar (database versions not stated): TOPMed 0.00002.
gnomAD v4.1: 3 of 1,613,814 alleles (0.00019%); highest among the groups gnomAD compares: Non-Finnish European, 0.00017%; no homozygotes.

Submission:

Labcorp Genetics (formerly Invitae), Labcorp
Classification: Pathogenic for Fanconi anemia. Last evaluated: 2022-04-11. Review status: criteria provided, single submitter. Criteria: Invitae Variant Classification Sherloc (09022015). Collection method: clinical testing. Allele origin: germline.
Comment: For these reasons, this variant has been classified as Pathogenic. This premature translational stop signal has been observed in individual(s) with breast cancer (PMID: 31991861). This variant is present in population databases (no rsID available, gnomAD 0.0009%). This sequence change creates a premature translational stop signal (p.Arg1644*) in the FANCM gene. It is expected to result in an absent or disrupted protein product. Loss-of-function variants in FANCM are known to be pathogenic (PMID: 29895858, 30075111).

Literature cited by the submitters: PubMed 31991861; PubMed 29895858; PubMed 30075111.